The following is an entry in ClinVar:

NM_152266.5(FAAP24):c.330G>A (p.Leu110=)

Gene: FAAP24 (FA core complex associated protein 24; plus strand). Cytogenetic location: 19q13.11.
Variant type: single nucleotide variant.
Coding change: c.330G>A on transcript NM_152266.5 (MANE Select); coding-DNA position 330, G replaced by A.
Protein change: p.Leu110=; no amino-acid change (leucine 110 retained).
Molecular consequence: synonymous variant.
Genome position (GRCh38, 1-based): chr19:32,974,146, G>A. VCF-style: chr19-32974146-G-A. GRCh37 (hg19) VCF-style: chr19-33465052-G-A.
Other names: c.45G>A, p.Leu15= (NM_001300978.2).
Identifiers: ClinVar variation 3045404 (VCV003045404.2), dbSNP rs148951579, ClinGen allele CA9360101.

ClinVar aggregate classification (germline): Likely benign (0 of 4 stars; one submission).

Conditions:
FAAP24-related disorder. Also called: FAAP24-related condition.

Allele frequency attached by ClinVar (database versions not stated): gnomAD exomes 0.00005; ExAC 0.00024; 1000 Genomes Project 0.00040; 1000 Genomes Project 30x 0.00047; gnomAD 0.00068; ESP Exome Variant Server 0.00069; TOPMed 0.00088.

Submission:

PreventionGenetics, part of Exact Sciences
Classification: Likely benign for FAAP24-related condition. Last evaluated: 2024-02-01. Review status: no assertion criteria provided. Collection method: clinical testing. Allele origin: germline.
Comment: This variant is classified as likely benign based on ACMG/AMP sequence variant interpretation guidelines (Richards et al. 2015 PMID: 25741868, with internal and published modifications).